The following is an entry in ClinVar:

ClinVar aggregate classification (germline): Uncertain significance. Review status: criteria provided, multiple submitters, no conflicts (2 of 4 stars). 2 submissions from 2 submitters: Uncertain significance (2). Last evaluated 2025-08-12.

Conditions:
Inborn genetic diseases. Identifiers: MedGen C0950123, MeSH D030342.

Allele frequency attached by ClinVar (database versions not stated): TOPMed 0.00002; ExAC 0.00003; gnomAD 0.00004; gnomAD exomes 0.00004.
gnomAD v4.1: 73 of 1,614,076 alleles (0.0045%); highest among the groups gnomAD compares: Non-Finnish European, 0.0041%; no homozygotes.

Submissions (2):

Labcorp Genetics (formerly Invitae), Labcorp
Classification: Uncertain significance. Last evaluated: 2025-08-12. Review status: criteria provided, single submitter. Criteria: Invitae Variant Classification Sherloc (09022015). Collection method: clinical testing. Allele origin: germline.
Comment: This sequence change replaces aspartic acid, which is acidic and polar, with asparagine, which is neutral and polar, at codon 852 of the ALPK1 protein (p.Asp852Asn). This variant is present in population databases (rs772707396, gnomAD 0.06%). This variant has not been reported in the literature in individuals affected with ALPK1-related conditions. ClinVar contains an entry for this variant (Variation ID: 2188943). Invitae Evidence Modeling of protein sequence and biophysical properties (such as structural, functional, and spatial information, amino acid conservation, physicochemical variation, residue mobility, and thermodynamic stability) indicates that this missense variant is not expected to disrupt ALPK1 protein function with a negative predictive value of 80%. In summary, the available evidence is currently insufficient to determine the role of this variant in disease. Therefore, it has been classified as a Variant of Uncertain Significance.

Ambry Genetics
Classification: Uncertain significance for Inborn genetic diseases. Last evaluated: 2021-12-21. Review status: criteria provided, single submitter. Criteria: Ambry Variant Classification Scheme 2023. Collection method: clinical testing. Allele origin: germline.

NM_025144.4(ALPK1):c.2554G>A (p.Asp852Asn)

Gene: ALPK1 (alpha kinase 1; plus strand). Cytogenetic location: 4q25.
Variant type: single nucleotide variant.
Coding change: c.2554G>A on transcript NM_025144.4 (MANE Select); coding-DNA position 2554, G replaced by A.
Protein change: p.Asp852Asn; replaces aspartic acid 852 with asparagine.
Molecular consequence: missense variant.
Genome position (GRCh38, 1-based): chr4:112,432,101, G>A. VCF-style: chr4-112432101-G-A. GRCh37 (hg19) VCF-style: chr4-113353257-G-A.
Other names: c.2554G>A, p.Asp852Asn (NM_001102406.2); c.2320G>A, p.Asp774Asn (NM_001253884.2); c.2554G>A (NM_025144.3); short protein forms D774N, D852N.
Identifiers: ClinVar variation 2188943 (VCV002188943.5), dbSNP rs772707396, ClinGen allele CA3046936.